The following is an entry in ClinVar:

NM_032228.6(FAR1):c.716C>G (p.Pro239Arg)

Gene: FAR1 (fatty acyl-CoA reductase 1; plus strand). Cytogenetic location: 11p15.3.
Variant type: single nucleotide variant.
Coding change: c.716C>G on transcript NM_032228.6 (MANE Select); coding-DNA position 716, C replaced by G.
Protein change: p.Pro239Arg; replaces proline 239 with arginine.
Molecular consequence: missense variant.
Genome position (GRCh38, 1-based): chr11:13,710,863, C>G. VCF-style: chr11-13710863-C-G. GRCh37 (hg19) VCF-style: chr11-13732410-C-G.
Other names: short protein forms P239R.
Identifiers: ClinVar variation 3666078 (VCV003666078.2).
Genomic context (GRCh38, chr11:13,710,863, plus strand): 5'-GAGCAAAACTAAATGTGGCAATTGTAAGGCCATCGATTGTTGGTGCCAGTTGGAAAGAAC[C>G]TTTTCCAGTAAGTTGTTAGAAACCTTTATAAATAACTGGAGTTGAGAATTTTAAGTTGTA-3'
Protein context (NP_115604.1, residues 229-249): PSIVGASWKE[Pro239Arg]FPGWIDNFNG

ClinVar aggregate classification (germline): Uncertain significance (1 of 4 stars; one submission).

Submission:

Labcorp Genetics (formerly Invitae), Labcorp
Classification: Uncertain significance. Last evaluated: 2024-10-05. Review status: criteria provided, single submitter. Criteria: Invitae Variant Classification Sherloc (09022015). Collection method: clinical testing. Allele origin: germline.
Comment: This sequence change replaces proline, which is neutral and non-polar, with arginine, which is basic and polar, at codon 239 of the FAR1 protein (p.Pro239Arg). This variant is not present in population databases (gnomAD no frequency). This variant has not been reported in the literature in individuals affected with FAR1-related conditions. Invitae Evidence Modeling of protein sequence and biophysical properties (such as structural, functional, and spatial information, amino acid conservation, physicochemical variation, residue mobility, and thermodynamic stability) indicates that this missense variant is expected to disrupt FAR1 protein function with a positive predictive value of 80%. In summary, the available evidence is currently insufficient to determine the role of this variant in disease. Therefore, it has been classified as a Variant of Uncertain Significance.